The following is an entry in ClinVar:

NM_001292063.2(OTOG):c.674A>G (p.His225Arg)

Gene: OTOG (otogelin; plus strand). Cytogenetic location: 11p15.1.
Variant type: single nucleotide variant.
Coding change: c.674A>G on transcript NM_001292063.2 (MANE Select); coding-DNA position 674, A replaced by G.
Protein change: p.His225Arg; replaces histidine 225 with arginine.
Molecular consequence: missense variant.
Genome position (GRCh38, 1-based): chr11:17,557,132, A>G. VCF-style: chr11-17557132-A-G. GRCh37 (hg19) VCF-style: chr11-17578679-A-G.
Other names: c.710A>G, p.His237Arg (NM_001277269.2); short protein forms H225R, H237R.
Identifiers: ClinVar variation 4082643 (VCV004082643.1).

ClinVar aggregate classification (germline): Uncertain significance (1 of 4 stars; one submission).

gnomAD v4.1: 9 of 1,550,064 alleles (0.00058%); highest among the groups gnomAD compares: Non-Finnish European, 0.00078%; no homozygotes.

Submission:

GeneDx
Classification: Uncertain significance. Last evaluated: 2025-03-02. Review status: criteria provided, single submitter. Criteria: GeneDx Variant Classification Process June 2021. Collection method: clinical testing. Allele origin: germline. Affected: yes.
Comment: Not observed at significant frequency in large population cohorts (gnomAD); In silico analysis indicates that this missense variant does not alter protein structure/function; Has not been previously published as pathogenic or benign to our knowledge